The following is an entry in ClinVar:

ClinVar aggregate classification (germline): Uncertain significance (1 of 4 stars; one submission).

Submission:

Labcorp Genetics (formerly Invitae), Labcorp
Classification: Uncertain significance. Last evaluated: 2025-09-29. Review status: criteria provided, single submitter. Criteria: Invitae Variant Classification Sherloc (09022015). Collection method: clinical testing. Allele origin: germline.
Comment: This sequence change falls in intron 2 of the CCER2 gene. It does not directly change the encoded amino acid sequence of the CCER2 protein. This variant is present in population databases (rs746059048, gnomAD 0.02%). This variant has not been reported in the literature in individuals affected with CCER2-related conditions. Algorithms developed to predict the effect of sequence changes on RNA splicing suggest that this variant may create or strengthen a splice site. In summary, the available evidence is currently insufficient to determine the role of this variant in disease. Therefore, it has been classified as a Variant of Uncertain Significance.

NM_001243212.2(CCER2):c.102+7A>T

Gene: CCER2 (coiled-coil glutamate rich protein 2; minus strand). Cytogenetic location: 19q13.2.
Variant type: single nucleotide variant.
Coding change: c.102+7A>T on transcript NM_001243212.2 (MANE Select); 7 bases into the intron after coding-DNA position 102, A replaced by T.
Molecular consequence: intron variant.
Genome position (GRCh38, 1-based): chr19:38,911,805, T>A on the plus strand (A>T on the coding strand, the complement: CCER2 is on the minus strand). VCF-style: chr19-38911805-T-A. GRCh37 (hg19) VCF-style: chr19-39402445-T-A.
Identifiers: ClinVar variation 4717164 (VCV004717164.1).